The following is an entry in ClinVar:

NM_001204.7(BMPR2):c.674G>A (p.Arg225His)

Gene: BMPR2 (bone morphogenetic protein receptor type 2; plus strand). Cytogenetic location: 2q33.2.
Variant type: single nucleotide variant.
Coding change: c.674G>A on transcript NM_001204.7 (MANE Select); coding-DNA position 674, G replaced by A.
Protein change: p.Arg225His; replaces arginine 225 with histidine.
Molecular consequence: missense variant.
Genome position (GRCh38, 1-based): chr2:202,518,874, G>A. VCF-style: chr2-202518874-G-A. GRCh37 (hg19) VCF-style: chr2-203383597-G-A.
Other names: p.Arg225His; c.674G>A (LRG_712t1); short protein forms R225H.
Identifiers: ClinVar variation 333640 (VCV000333640.25), dbSNP rs148682262, ClinGen allele CA2061188.

ClinVar aggregate classification (germline): Benign/Likely benign. Review status: criteria provided, multiple submitters, no conflicts (2 of 4 stars). 6 submissions from 6 submitters: Benign (3); Likely benign (3). Last evaluated 2026-01-28.

Conditions:
Primary pulmonary hypertension. Also called: Idiopathic pulmonary hypertension. Identifiers: MedGen C0152171.
Pulmonary hypertension, primary, 1 (PPH1). Also called: Pulmonary hypertension, familial primary, 1, with or without HHT. Identifiers: Orphanet 422, MedGen C4552070, MONDO:0024533, OMIM 178600.

Allele frequency attached by ClinVar (database versions not stated): ESP Exome Variant Server 0.00015; 1000 Genomes Project 30x 0.00016; gnomAD exomes 0.00019 and 0.00035; 1000 Genomes Project 0.00020; gnomAD 0.00023 and 0.00026; TOPMed 0.00031; ExAC 0.00033.
gnomAD v4.1: 340 of 1,614,174 alleles (0.021%); highest among the groups gnomAD compares: Admixed American, 0.02%; no homozygotes.

Submissions (6):

Labcorp Genetics (formerly Invitae), Labcorp
Classification: Benign for Primary pulmonary hypertension. Last evaluated: 2026-01-28. Review status: criteria provided, single submitter. Criteria: Invitae Variant Classification Sherloc (09022015). Collection method: clinical testing. Allele origin: germline.

Mayo Clinic Laboratories, Mayo Clinic
Classification: Likely benign. Last evaluated: 2025-04-02. Review status: criteria provided, single submitter. Criteria: ACMG Guidelines, 2015. Collection method: clinical testing. Allele origin: germline. Observed: 1 variant allele.
Comment: BS1, BP4

CeGaT Center for Human Genetics Tuebingen
Classification: Likely benign. Last evaluated: 2025-03-01. Review status: criteria provided, single submitter. Criteria: CeGaT Center For Human Genetics Tuebingen Variant Classification Criteria Version 2. Collection method: clinical testing. Allele origin: germline. Affected: yes. Observed: 1 variant allele.
Comment: BMPR2: BS2

ARUP Laboratories, Molecular Genetics and Genomics, ARUP Laboratories
Classification: Likely benign. Last evaluated: 2023-05-04. Review status: criteria provided, single submitter. Criteria: ARUP Molecular Germline Variant Investigation Process 2024. Collection method: clinical testing. Allele origin: germline.

Illumina Laboratory Services, Illumina
Classification: Benign for Pulmonary hypertension, primary, 1. Last evaluated: 2018-01-13. Review status: criteria provided, single submitter. Criteria: ICSL Variant Classification Criteria 13 December 2019. Collection method: clinical testing. Allele origin: germline.
Comment: This variant was observed in the ICSL laboratory as part of a predisposition screen in an ostensibly healthy population. It had not been previously curated by ICSL or reported in the Human Gene Mutation Database (HGMD: prior to June 1st, 2018), and was therefore a candidate for classification through an automated scoring system. Utilizing variant allele frequency, disease prevalence and penetrance estimates, and inheritance mode, an automated score was calculated to assess if this variant is too frequent to cause the disease. Based on the score and internal cut-off values, a variant classified as benign is not then subjected to further curation. The score for this variant resulted in a classification of benign for this disease.

Breakthrough Genomics
Classification: Benign. Review status: criteria provided, single submitter. Criteria: ACMG Guidelines, 2015. Collection method: not provided. Allele origin: germline. Inheritance: Autosomal dominant inheritance. Affected: yes.

Literature cited by the submitters: PubMed 29631995 (cited by Mayo Clinic Laboratories, Mayo Clinic).